The following is an entry in ClinVar:

NM_001148.6(ANK2):c.10423A>G (p.Ile3475Val)

Gene: ANK2 (ankyrin 2; plus strand). Cytogenetic location: 4q26.
Variant type: single nucleotide variant.
Coding change: c.10423A>G on transcript NM_001148.6 (MANE Select); coding-DNA position 10423, A replaced by G.
Protein change: p.Ile3475Val; replaces isoleucine 3475 with valine.
Molecular consequence: missense variant. On other transcripts: intron variant (68).
Genome position (GRCh38, 1-based): chr4:113,359,041, A>G. VCF-style: chr4-113359041-A-G. GRCh37 (hg19) VCF-style: chr4-114280197-A-G.
Other names: c.4328-1782A>G (NM_001354258.2, NM_001354228.2); c.4265-1782A>G (NM_001354245.2, NM_001354262.2, NM_001354275.2); c.4229-1782A>G (NM_001354268.2); c.4127-1782A>G (NM_001354273.2); c.4427-1782A>G (NM_020977.5); c.4484-1782A>G (NM_001386152.1); c.4505-1782A>G (NM_001354237.2); c.4406-1782A>G (NM_001354230.2); and 35 more; short protein forms I2275V, I3397V, I3475V, I3514V, I3522V.
Identifiers: ClinVar variation 1316154 (VCV001316154.11), dbSNP rs751755180, ClinGen allele CA3052070.
Genomic context (GRCh38, chr4:113,359,041, plus strand): 5'-GGGGGCACGAGCCCCACAAAAGAAAGTAAGGAGCATTTCTTTGACCTTTACAGAAATTCC[A>G]TAGAATTCTTTGAGGAGATTAGTGATGAGGCTTCCAAATTAGTGGATAGGCTGACACAGT-3'
Protein context (NP_001139.3, residues 3465-3485): EHFFDLYRNS[Ile3475Val]EFFEEISDEA

ClinVar aggregate classification (germline): Uncertain significance. Review status: criteria provided, multiple submitters, no conflicts (2 of 4 stars). 3 submissions from 3 submitters: Uncertain significance (3). Last evaluated 2024-02-12.

Conditions:
Cardiac arrhythmia, ankyrin-B-related. Also called: ANKYRIN-B SYNDROME. Identifiers: Orphanet 101016, Orphanet 768, MedGen C1970119, MONDO:0010958, OMIM 600919.
Long QT syndrome (LQTS). Identifiers: MedGen C0023976, MeSH D008133, MONDO:0002442. Disease mechanism: loss of function. Inheritance: Various modes of inheritance.

Allele frequency attached by ClinVar (database versions not stated): TOPMed below 0.00001; gnomAD 0.00001; gnomAD exomes 0.00001; ExAC 0.00002.
gnomAD v4.1: 9 of 1,613,976 alleles (0.00056%); highest among the groups gnomAD compares: South Asian, 0.0011%; no homozygotes.

Submissions (3):

GeneDx
Classification: Uncertain significance. Last evaluated: 2024-02-12. Review status: criteria provided, single submitter. Criteria: GeneDx Variant Classification Process June 2021. Collection method: clinical testing. Allele origin: germline. Affected: yes.
Comment: Has not been previously published as pathogenic or benign to our knowledge; Not observed at significant frequency in large population cohorts (gnomAD); In silico analysis supports that this missense variant does not alter protein structure/function; Located in exon 38, which is reported as being expressed in a brain-specific transcript (PMID: 1830053, 18790697, 26109584); This variant is associated with the following publications: (PMID: 1830053, 18790697, 26109584)

Fulgent Genetics
Classification: Uncertain significance for Cardiac arrhythmia, ankyrin-B-related. Last evaluated: 2021-08-08. Review status: criteria provided, single submitter. Criteria: ACMG Guidelines, 2015. Collection method: clinical testing. Allele origin: unknown.

Labcorp Genetics (formerly Invitae), Labcorp
Classification: Uncertain significance for Long QT syndrome. Last evaluated: 2021-02-14. Review status: criteria provided, single submitter. Criteria: Invitae Variant Classification Sherloc (09022015). Collection method: clinical testing. Allele origin: germline.
Comment: This variant is present in population databases (rs751755180, ExAC 0.02%). In summary, the available evidence is currently insufficient to determine the role of this variant in disease. Therefore, it has been classified as a Variant of Uncertain Significance. This variant has not been reported in the literature in individuals with ANK2-related conditions. Algorithms developed to predict the effect of missense changes on protein structure and function are either unavailable or do not agree on the potential impact of this missense change (SIFT: "Tolerated"; PolyPhen-2: "Probably Damaging"; Align-GVGD: "Class C0"). This sequence change replaces isoleucine with valine at codon 3475 of the ANK2 protein (p.Ile3475Val). The isoleucine residue is moderately conserved and there is a small physicochemical difference between isoleucine and valine.